The following is an entry in ClinVar:

ClinVar aggregate classification (germline): Conflicting classifications of pathogenicity. Review status: criteria provided, conflicting classifications (1 of 4 stars). 5 submissions from 5 submitters: Uncertain significance (4); Likely benign (1). Last evaluated 2025-10-19.

Conditions:
Bethlem myopathy 2 (BTHLM2). Identifiers: Orphanet 536516, Orphanet 610, MedGen C4225313, MONDO:0034022, OMIM 616471.
Ullrich congenital muscular dystrophy 2 (UCMD2). Identifiers: Orphanet 75840, MedGen C4225314, MONDO:0014654, OMIM 616470.

Allele frequency attached by ClinVar (database versions not stated): ExAC 0.00001; gnomAD exomes 0.00003 and 0.00006; gnomAD 0.00007 and 0.00008; TOPMed 0.00010.
gnomAD v4.1: 55 of 1,599,302 alleles (0.0034%); highest among the groups gnomAD compares: Admixed American, 0.038%; no homozygotes.

Submissions (5):

Labcorp Genetics (formerly Invitae), Labcorp
Classification: Likely benign for Bethlem myopathy 2; Ullrich congenital muscular dystrophy 2. Last evaluated: 2025-10-19. Review status: criteria provided, single submitter. Criteria: Invitae Variant Classification Sherloc (09022015). Collection method: clinical testing. Allele origin: germline.

Mayo Clinic Laboratories, Mayo Clinic
Classification: Uncertain significance. Last evaluated: 2025-05-20. Review status: criteria provided, single submitter. Criteria: ACMG Guidelines, 2015. Collection method: clinical testing. Allele origin: germline. Observed: 1 variant allele.

CeGaT Center for Human Genetics Tuebingen
Classification: Uncertain significance. Last evaluated: 2024-12-01. Review status: criteria provided, single submitter. Criteria: CeGaT Center For Human Genetics Tuebingen Variant Classification Criteria Version 2. Collection method: clinical testing. Allele origin: germline. Affected: yes. Observed: 1 variant allele.

GeneDx
Classification: Uncertain significance. Last evaluated: 2024-09-10. Review status: criteria provided, single submitter. Criteria: GeneDx Variant Classification Process June 2021. Collection method: clinical testing. Allele origin: germline. Affected: yes.
Comment: Has not been previously published as pathogenic or benign to our knowledge; In silico analysis supports that this missense variant has a deleterious effect on protein structure/function

Revvity Omics, Revvity
Classification: Uncertain significance. Last evaluated: 2021-09-09. Review status: criteria provided, single submitter. Criteria: ACMG Guidelines, 2015. Collection method: clinical testing. Allele origin: germline.

NM_004370.6(COL12A1):c.6224G>A (p.Gly2075Asp)

Gene: COL12A1 (collagen type XII alpha 1 chain; minus strand). Cytogenetic location: 6q13.
Variant type: single nucleotide variant.
Coding change: c.6224G>A on transcript NM_004370.6 (MANE Select); coding-DNA position 6224, G replaced by A.
Protein change: p.Gly2075Asp; replaces glycine 2075 with aspartic acid.
Molecular consequence: missense variant.
Genome position (GRCh38, 1-based): chr6:75,128,412, C>T on the plus strand (G>A on the coding strand, the complement: COL12A1 is on the minus strand). VCF-style: chr6-75128412-C-T. GRCh37 (hg19) VCF-style: chr6-75838128-C-T.
Other names: p.Gly2075Asp; c.2732G>A, p.Gly911Asp (NM_080645.3); short protein forms G911D, G2075D.
Identifiers: ClinVar variation 851276 (VCV000851276.25), dbSNP rs754228661, ClinGen allele CA3892849.